The following is an entry in ClinVar:

NM_002691.4(POLD1):c.3091C>A (p.Pro1031Thr)

Gene: POLD1 (DNA polymerase delta 1, catalytic subunit; plus strand). Cytogenetic location: 19q13.33.
Variant type: single nucleotide variant.
Coding change: c.3091C>A on transcript NM_002691.4 (MANE Select); coding-DNA position 3091, C replaced by A.
Protein change: p.Pro1031Thr; replaces proline 1031 with threonine.
Molecular consequence: missense variant. On other transcripts: non-coding transcript variant (1).
Genome position (GRCh38, 1-based): chr19:50,417,068, C>A. VCF-style: chr19-50417068-C-A. GRCh37 (hg19) VCF-style: chr19-50920325-C-A.
Other names: c.3091C>A, p.Pro1031Thr (NM_001256849.1); c.3169C>A, p.Pro1057Thr (NM_001308632.1); short protein forms P1031T, P1057T.
Identifiers: ClinVar variation 3935559 (VCV003935559.1).

ClinVar aggregate classification (germline): Uncertain significance (1 of 4 stars; one submission).

Conditions:
Hereditary cancer-predisposing syndrome. Also called: Tumor predisposition; Hereditary neoplastic syndrome; Hereditary Cancer Syndrome; Neoplastic Syndromes, Hereditary. Identifiers: Orphanet 140162, MedGen C0027672, MeSH D009386, MONDO:0015356.

Submission:

Ambry Genetics
Classification: Uncertain significance for Hereditary cancer-predisposing syndrome. Last evaluated: 2025-04-17. Review status: criteria provided, single submitter. Criteria: Ambry Variant Classification Scheme 2023. Collection method: clinical testing. Allele origin: germline.
Comment: The p.P1031T variant (also known as c.3091C>A), located in coding exon 24 of the POLD1 gene, results from a C to A substitution at nucleotide position 3091. The proline at codon 1031 is replaced by threonine, an amino acid with highly similar properties. This amino acid position is conserved. In addition, this alteration is predicted to be tolerated by in silico analysis. Based on the available evidence, the clinical significance of this variant remains unclear.